The following is an entry in ClinVar:

ClinVar aggregate classification (germline): Uncertain significance. Review status: criteria provided, multiple submitters, no conflicts (2 of 4 stars). 2 submissions from 2 submitters: Uncertain significance (2). Last evaluated 2024-06-17.

Conditions:
Inborn genetic diseases. Identifiers: MedGen C0950123, MeSH D030342.

Allele frequency attached by ClinVar (database versions not stated): ExAC 0.00001; gnomAD exomes 0.00001.
gnomAD v4.1: 15 of 1,613,830 alleles (0.00093%); highest among the groups gnomAD compares: Non-Finnish European, 0.0013%; no homozygotes.

Submissions (2):

Ambry Genetics
Classification: Uncertain significance for Inborn genetic diseases. Last evaluated: 2024-06-17. Review status: criteria provided, single submitter. Criteria: Ambry Variant Classification Scheme 2023. Collection method: clinical testing. Allele origin: germline.

Labcorp Genetics (formerly Invitae), Labcorp
Classification: Uncertain significance. Last evaluated: 2022-12-30. Review status: criteria provided, single submitter. Criteria: Invitae Variant Classification Sherloc (09022015). Collection method: clinical testing. Allele origin: germline.
Comment: In summary, the available evidence is currently insufficient to determine the role of this variant in disease. Therefore, it has been classified as a Variant of Uncertain Significance. Algorithms developed to predict the effect of missense changes on protein structure and function are either unavailable or do not agree on the potential impact of this missense change (SIFT: "Deleterious"; PolyPhen-2: "Benign"; Align-GVGD: "Class C25"). This variant has not been reported in the literature in individuals affected with GRM7-related conditions. This variant is present in population databases (rs753302178, gnomAD 0.003%). This sequence change replaces serine, which is neutral and polar, with leucine, which is neutral and non-polar, at codon 874 of the GRM7 protein (p.Ser874Leu).

NM_000844.4(GRM7):c.2621C>T (p.Ser874Leu)

Gene: GRM7 (glutamate metabotropic receptor 7; plus strand). Cytogenetic location: 3p26.1.
Variant type: single nucleotide variant.
Coding change: c.2621C>T on transcript NM_000844.4 (MANE Select); coding-DNA position 2621, C replaced by T.
Protein change: p.Ser874Leu; replaces serine 874 with leucine.
Molecular consequence: missense variant.
Genome position (GRCh38, 1-based): chr3:7,680,218, C>T. VCF-style: chr3-7680218-C-T. GRCh37 (hg19) VCF-style: chr3-7721905-C-T.
Other names: c.2621C>T, p.Ser874Leu (NM_181874.3); c.2621C>T (NM_000844.3); short protein forms S874L.
Identifiers: ClinVar variation 2968578 (VCV002968578.4), dbSNP rs753302178, ClinGen allele CA2235157.